The following is an entry in ClinVar:

ClinVar aggregate classification (germline): Conflicting classifications of pathogenicity. Review status: criteria provided, conflicting classifications (1 of 4 stars). 13 submissions from 10 submitters: Uncertain significance (11); Benign (2). Last evaluated 2026-05-01.

Conditions:
Autosomal recessive cerebellar ataxia. Also called: Spinocerebellar ataxia, autosomal recessive; Spinocerebellar Ataxia, Recessive. Identifiers: Orphanet 1172, MedGen C5575375, MONDO:0015244.
TWNK-related disorder. Also called: TWNK-related condition.
Infantile onset spinocerebellar ataxia (MTDPS7). Also called: Mitochondrial DNA depletion syndrome 7 (hepatocerebral type); OPHTHALMOPLEGIA, HYPOTONIA, ATAXIA, HYPOACUSIS, AND ATHETOSIS; OHAHA SYNDROME; SPINOCEREBELLAR ATAXIA, INFANTILE, WITH SENSORY NEUROPATHY. Identifiers: Orphanet 1186, MedGen C1849096, MONDO:0010060, OMIM 271245.
Progressive external ophthalmoplegia with mitochondrial DNA deletions, autosomal dominant 3. Also called: PROGRESSIVE EXTERNAL OPHTHALMOPLEGIA, AUTOSOMAL DOMINANT 3. Identifiers: MedGen C1836439, MONDO:0012241, OMIM 609286.
Sensory ataxic neuropathy, dysarthria, and ophthalmoparesis (SANDO). Also called: Sensory ataxic neuropathy-dysarthria-ophthalmoparesis syndrome; Epilepsy, progressive myoclonic, type 5; Ataxia Neuropathy Spectrum (ANS); SENSORY ATAXIC NEUROPATHY WITH MITOCHONDRIAL DNA DELETIONS, AUTOSOMAL RECESSIVE. Identifiers: Orphanet 70595, MedGen C1843851, MONDO:0011835, OMIM 607459.
Hereditary spastic paraplegia. Also called: Familial spastic paraparesis. Identifiers: Orphanet 685, MedGen C0037773, MONDO:0019064. Disease mechanism: loss of function.

Allele frequency attached by ClinVar (database versions not stated): ExAC 0.00013; gnomAD exomes 0.00015 and 0.00039; gnomAD 0.00020 and 0.00021; TOPMed 0.00024; ESP Exome Variant Server 0.00031.
gnomAD v4.1: 608 of 1,614,126 alleles (0.038%); highest among the groups gnomAD compares: Non-Finnish European, 0.048%; 1 homozygote.

Submissions (13):

CeGaT Center for Human Genetics Tuebingen
Classification: Uncertain significance. Last evaluated: 2026-05-01. Review status: criteria provided, single submitter. Criteria: CeGaT Center For Human Genetics Tuebingen Variant Classification Criteria Version 2. Collection method: clinical testing. Allele origin: germline. Affected: yes. Observed: 1 variant allele.
Comment: TWNK: PP3

Labcorp Genetics (formerly Invitae), Labcorp
Classification: Uncertain significance. Last evaluated: 2026-01-23. Review status: criteria provided, single submitter. Criteria: Invitae Variant Classification Sherloc (09022015). Collection method: clinical testing. Allele origin: germline.
Comment: This sequence change replaces tyrosine, which is neutral and polar, with histidine, which is basic and polar, at codon 537 of the TWNK protein (p.Tyr537His). This variant is present in population databases (rs144001072, gnomAD 0.03%). This missense change has been observed in individual(s) with clinical features of TWNK-related conditions (PMID: 21689831). ClinVar contains an entry for this variant (Variation ID: 383137). Invitae Evidence Modeling of protein sequence and biophysical properties (such as structural, functional, and spatial information, amino acid conservation, physicochemical variation, residue mobility, and thermodynamic stability) indicates that this missense variant is not expected to disrupt TWNK protein function with a negative predictive value of 80%. In summary, the available evidence is currently insufficient to determine the role of this variant in disease. Therefore, it has been classified as a Variant of Uncertain Significance.

GeneDx
Classification: Uncertain significance. Last evaluated: 2025-09-23. Review status: criteria provided, single submitter. Criteria: GeneDx Variant Classification Process June 2021. Collection method: clinical testing. Allele origin: germline. Affected: yes.
Comment: In silico analysis suggests that this missense variant does not alter protein structure/function; This variant is associated with the following publications: (PMID: 26615986, 35792653, 21689831)

Mayo Clinic Laboratories, Mayo Clinic
Classification: Uncertain significance. Last evaluated: 2025-06-01. Review status: criteria provided, single submitter. Criteria: ACMG Guidelines, 2015. Collection method: clinical testing. Allele origin: germline. Observed: 2 variant alleles.

Blueprint Genetics
Classification: Uncertain significance. Last evaluated: 2024-09-09. Review status: criteria provided, single submitter. Criteria: ACMG Guidelines, 2015. Collection method: clinical testing. Allele origin: germline.

Women's Health and Genetics/Laboratory Corporation of America, LabCorp
Classification: Uncertain significance. Last evaluated: 2024-02-07. Review status: criteria provided, single submitter. Criteria: LabCorp Variant Classification Summary - May 2015. Collection method: clinical testing. Allele origin: germline.
Comment: Variant summary: TWNK c.1609T>C (p.Tyr537His) results in a conservative amino acid change located in the DNA helicase, DnaB-like, C-terminal (IPR007694) of the encoded protein sequence. Four of five in-silico tools predict a benign effect of the variant on protein function. The variant allele was found at a frequency of 0.00038 in 1614126 control chromosomes in the gnomAD database (v4.0.0), including 1 homozygotes c.1609T>C has been reported in the literature in individuals affected with Opthalmoplegia (Ronchi_2011). This report does not provide unequivocal conclusions about association of the variant with Infantile Onset Spinocerebellar Ataxia. To our knowledge, no experimental evidence demonstrating an impact on protein function has been reported. The following publication have been ascertained in the context of this evaluation (PMID: 21689831). ClinVar contains an entry for this variant (Variation ID: 383137). Based on the evidence outlined above, the variant was classified as uncertain significance.

PreventionGenetics, part of Exact Sciences
Classification: Uncertain significance for TWNK-related condition. Last evaluated: 2023-09-03. Review status: criteria provided, single submitter. Criteria: ACMG Guidelines, 2015. Collection method: clinical testing. Allele origin: germline.
Comment: The TWNK c.1609T>C variant is predicted to result in the amino acid substitution p.Tyr537His. This variant was reported in the heterozygous state in individuals with chronic external ophthalmoplegia or Parkinson's disease; however, pathogenicity was not established (Ronchi et al. 2011. PubMed ID: 21689831; Percetti et al. 2022. PubMed ID: 35792653). This variant is reported in 0.029% of alleles in individuals of European (Non-Finnish) descent in gnomAD, which may be too frequent to be a primary cause of autosomal dominant disease. Although we suspect TWNK c.1609T>C (p.Tyr537His) may be benign, the clinical significance of this variant is uncertain due to the absence of conclusive functional and genetic evidence.

Genome Diagnostics Laboratory, The Hospital for Sick Children
Classification: Uncertain significance for Hereditary spastic paraplegia. Last evaluated: 2020-09-30. Review status: criteria provided, single submitter. Criteria: ACMG Guidelines, 2015. Collection method: clinical testing. Allele origin: germline. Affected: yes.

Illumina Laboratory Services, Illumina
Classification: Benign for Progressive external ophthalmoplegia with mitochondrial DNA deletions, autosomal dominant 3. Last evaluated: 2017-04-28. Review status: criteria provided, single submitter. Criteria: ICSL Variant Classification Criteria 13 December 2019. Collection method: clinical testing. Allele origin: germline.
Comment: This variant was observed as part of a predisposition screen in an ostensibly healthy population. A literature search was performed for the gene, cDNA change, and amino acid change (where applicable). Publications were found based on this search. The evidence from the literature, in combination with allele frequency data from public databases where available, was sufficient to rule this variant out of causing disease. Therefore, this variant is classified as benign.

Illumina Laboratory Services, Illumina
Classification: Uncertain significance for Autosomal recessive cerebellar ataxia. Last evaluated: 2017-04-28. Review status: criteria provided, single submitter. Criteria: ICSL Variant Classification Criteria 13 December 2019. Collection method: clinical testing. Allele origin: germline.

Illumina Laboratory Services, Illumina
Classification: Benign for Sensory ataxic neuropathy-dysarthria-ophthalmoparesis syndrome. Last evaluated: 2017-04-28. Review status: criteria provided, single submitter. Criteria: ICSL Variant Classification Criteria 13 December 2019. Collection method: clinical testing. Allele origin: germline.
Comment: This variant was observed as part of a predisposition screen in an ostensibly healthy population. A literature search was performed for the gene, cDNA change, and amino acid change (where applicable). No publications were found based on this search. Allele frequency data from public databases was too high to be consistent with this variant causing disease. Therefore, this variant is classified as benign.

Illumina Laboratory Services, Illumina
Classification: Uncertain significance for Infantile onset spinocerebellar ataxia. Last evaluated: 2017-04-28. Review status: criteria provided, single submitter. Criteria: ICSL Variant Classification Criteria 13 December 2019. Collection method: clinical testing. Allele origin: germline.

Eurofins Ntd Llc (ga)
Classification: Uncertain significance. Last evaluated: 2016-10-12. Review status: criteria provided, single submitter. Criteria: EGL Classification Definitions 2015. Collection method: clinical testing. Allele origin: germline. Observed: 1 variant allele, 1 heterozygote.

Literature cited by the submitters: PubMed 21689831 (cited by 4 submitters); PubMed 35792653 (cited by Mayo Clinic Laboratories, Mayo Clinic); PubMed 36059153 (cited by Mayo Clinic Laboratories, Mayo Clinic); PubMed 38943319 (cited by Mayo Clinic Laboratories, Mayo Clinic).

NM_021830.5(TWNK):c.1609T>C (p.Tyr537His)

Gene: TWNK (twinkle mtDNA helicase; plus strand). Cytogenetic location: 10q24.31.
Variant type: single nucleotide variant.
Coding change: c.1609T>C on transcript NM_021830.5 (MANE Select); coding-DNA position 1609, T replaced by C.
Protein change: p.Tyr537His; replaces tyrosine 537 with histidine.
Molecular consequence: missense variant. On other transcripts: non-coding transcript variant (5).
Genome position (GRCh38, 1-based): chr10:100,990,885, T>C. VCF-style: chr10-100990885-T-C. GRCh37 (hg19) VCF-style: chr10-102750642-T-C.
Other names: p.Tyr537His; c.1609T>C, p.Tyr537His (NM_001163812.2); c.247T>C, p.Tyr83His (NM_001163813.2, NM_001163814.2, NM_001368275.1); short protein forms Y537H, Y83H.
Identifiers: ClinVar variation 383137 (VCV000383137.30), dbSNP rs144001072, ClinGen allele CA5653294.